The following is an entry in ClinVar:

NM_005051.3(QARS1):c.1694C>T (p.Ala565Val)

Gene: QARS1 (glutaminyl-tRNA synthetase 1; minus strand). Cytogenetic location: 3p21.31.
Variant type: single nucleotide variant.
Coding change: c.1694C>T on transcript NM_005051.3 (MANE Select); coding-DNA position 1694, C replaced by T.
Protein change: p.Ala565Val; replaces alanine 565 with valine.
Molecular consequence: missense variant. On other transcripts: non-coding transcript variant (1).
Genome position (GRCh38, 1-based): chr3:49,099,174, G>A on the plus strand (C>T on the coding strand, the complement: QARS1 is on the minus strand). VCF-style: chr3-49099174-G-A. GRCh37 (hg19) VCF-style: chr3-49136607-G-A.
Other names: c.1661C>T, p.Ala554Val (NM_001272073.2); short protein forms A554V, A565V.
Identifiers: ClinVar variation 1468172 (VCV001468172.8), dbSNP rs2107098980, ClinGen allele CA352703624.

ClinVar aggregate classification (germline): Uncertain significance (1 of 4 stars; one submission).

Conditions:
Diffuse cerebral and cerebellar atrophy - intractable seizures - progressive microcephaly syndrome. Also called: Microcephaly, progressive, with seizures and cerebral and cerebellar atrophy. Identifiers: Orphanet 404437, MedGen C4014239, MONDO:0014335, OMIM 615760.

Submission:

Labcorp Genetics (formerly Invitae), Labcorp
Classification: Uncertain significance for Diffuse cerebral and cerebellar atrophy - intractable seizures - progressive microcephaly syndrome. Last evaluated: 2022-09-01. Review status: criteria provided, single submitter. Criteria: Invitae Variant Classification Sherloc (09022015). Collection method: clinical testing. Allele origin: germline.
Comment: ClinVar contains an entry for this variant (Variation ID: 1468172). In summary, the available evidence is currently insufficient to determine the role of this variant in disease. Therefore, it has been classified as a Variant of Uncertain Significance. Algorithms developed to predict the effect of missense changes on protein structure and function are either unavailable or do not agree on the potential impact of this missense change (SIFT: "Deleterious"; PolyPhen-2: "Probably Damaging"; Align-GVGD: "Class C0"). This variant has not been reported in the literature in individuals affected with QARS-related conditions. This variant is not present in population databases (gnomAD no frequency). This sequence change replaces alanine, which is neutral and non-polar, with valine, which is neutral and non-polar, at codon 565 of the QARS protein (p.Ala565Val).